The following is an entry in ClinVar:

NM_025243.4(SLC19A3):c.*506C>T

Gene: SLC19A3 (solute carrier family 19 member 3; minus strand). Cytogenetic location: 2q36.3.
Variant type: single nucleotide variant.
Coding change: c.*506C>T on transcript NM_025243.4 (MANE Select); 506 bases downstream of the stop codon, C replaced by T.
Molecular consequence: 3 prime UTR variant.
Genome position (GRCh38, 1-based): chr2:227,686,891, G>A on the plus strand (C>T on the coding strand, the complement: SLC19A3 is on the minus strand). VCF-style: chr2-227686891-G-A. GRCh37 (hg19) VCF-style: chr2-228551607-G-A.
Identifiers: ClinVar variation 334867 (VCV000334867.5), dbSNP rs115182620, ClinGen allele CA10613071.
Genomic context (GRCh38, chr2:227,686,891, plus strand): 5'-TGCTGTTATTAGAGTTGAAGAGAAGCCCTTAGAAATGGGACAAACATTGTAATTCTCTTA[G>A]AGAACTGTAACTTAAACAGAAATACACTTAATAGAAGAGGAAAGAAAATGGTTCATGTGA-3'

ClinVar aggregate classification (germline): Benign (1 of 4 stars; one submission).

Conditions:
Biotin-responsive basal ganglia disease (BTBGD). Also called: Thiamine Transporter-2 Deficiency; THIAMINE METABOLISM DYSFUNCTION SYNDROME 2 (BIOTIN- AND THIAMINE-RESPONSIVE TYPE); Thiamine metabolism dysfunction syndrome type 2; Thiamine metabolism dysfunction syndrome 2 (biotin- or thiamine-responsive encephalopathy type 2); thiamine-responsive encephalopathy. Identifiers: Orphanet 199348, Orphanet 65284, MedGen C1843807, MONDO:0011841, OMIM 607483.

Allele frequency attached by ClinVar (database versions not stated): gnomAD 0.02815; TOPMed 0.03239; 1000 Genomes Project 0.03654; 1000 Genomes Project 30x 0.04044.

Submission:

Illumina Laboratory Services, Illumina
Classification: Benign for Biotin-responsive basal ganglia disease. Last evaluated: 2018-01-13. Review status: criteria provided, single submitter. Criteria: ICSL Variant Classification Criteria 13 December 2019. Collection method: clinical testing. Allele origin: germline.
Comment: This variant was observed in the ICSL laboratory as part of a predisposition screen in an ostensibly healthy population. It had not been previously curated by ICSL or reported in the Human Gene Mutation Database (HGMD: prior to June 1st, 2018), and was therefore a candidate for classification through an automated scoring system. Utilizing variant allele frequency, disease prevalence and penetrance estimates, and inheritance mode, an automated score was calculated to assess if this variant is too frequent to cause the disease. Based on the score and internal cut-off values, a variant classified as benign is not then subjected to further curation. The score for this variant resulted in a classification of benign for this disease.